The following is an entry in ClinVar:

ClinVar aggregate classification (germline): Uncertain significance (1 of 4 stars; one submission).

Conditions:
EPPK1-related disorder. Also called: EPPK1-related condition.

Submission:

PreventionGenetics, part of Exact Sciences
Classification: Uncertain significance for EPPK1-related condition. Last evaluated: 2023-01-13. Review status: criteria provided, single submitter. Criteria: ACMG Guidelines, 2015. Collection method: clinical testing. Allele origin: germline.
Comment: The EPPK1 c.5704delG variant is predicted to result in a frameshift and premature protein termination (p.Val1902Serfs*10). To our knowledge, this variant has not been reported in the literature. This variant is reported in 0.53% of alleles in individuals of African descent in gnomAD. Although we suspect that this variant may be pathogenic, at this time, the clinical significance of this variant is uncertain due to the absence of conclusive functional and genetic evidence.

NM_031308.4(EPPK1):c.5704del (p.Val1902fs)

Gene: EPPK1 (epiplakin 1; minus strand). Cytogenetic location: 8q24.3.
Variant type: Deletion.
Coding change: c.5704del on transcript NM_031308.4 (MANE Select); coding-DNA position 5704, one base deleted (G; older notation c.5704delG).
Protein change: p.Val1902fs; shifts the reading frame from valine 1902.
Molecular consequence: frameshift variant.
Genome position (GRCh38, 1-based): chr8:143,867,550, C deleted on the plus strand (G on the coding strand, the reverse complement: EPPK1 is on the minus strand); the first of 5 consecutive C bases (chr8:143,867,550-143,867,554); deleting any one gives the same sequence. VCF-style (leftmost placement, unchanged base first): chr8-143867549-AC-A. GRCh37 (hg19) VCF-style: chr8-144941717-AC-A.
Other names: c.5704delG (NM_031308.3); short protein forms V1902fs.
Identifiers: ClinVar variation 2634051 (VCV002634051.1), dbSNP rs564150761, ClinGen allele CA4922059.
Genomic context (GRCh38, chr8:143,867,549, plus strand): 5'-ATGAGCTCCTTCCTGCTGGCCTCATGGAGGCTCATGACCTCCCTGGTGGAGGGCACCGTG[AC>A]CCCCGCAATGCAGCCGCTGCCTTCCAGATAGGGCTTCACACACTCCAGCGTGCTGAGTGC-3'